The following is an entry in ClinVar:

NM_005220.3(DLX3):c.227G>T (p.Gly76Val)

Gene: DLX3 (distal-less homeobox 3; minus strand). Cytogenetic location: 17q21.33.
Variant type: single nucleotide variant.
Coding change: c.227G>T on transcript NM_005220.3 (MANE Select); coding-DNA position 227, G replaced by T.
Protein change: p.Gly76Val; replaces glycine 76 with valine.
Molecular consequence: missense variant.
Genome position (GRCh38, 1-based): chr17:49,994,772, C>A on the plus strand (G>T on the coding strand, the complement: DLX3 is on the minus strand). VCF-style: chr17-49994772-C-A. GRCh37 (hg19) VCF-style: chr17-48072136-C-A.
Other names: c.227G>T (NM_005220.2); short protein forms G76V.
Identifiers: ClinVar variation 1935415 (VCV001935415.6), dbSNP rs368628839, ClinGen allele CA291508946.
Genomic context (GRCh38, chr17:49,994,772, plus strand): 5'-CCGTATTGCCGGTAGGAGGCTCCGTAGGTATATTCCGACTTGGGCGAGTAAGCGCCCGTG[C>A]CTGCAAGCCCATTGAGATTGAATTGGTGGTGGTAGGTGTAGGGGTTCACCGTCTGGCCAT-3'
Protein context (NP_005211.1, residues 66-86): HHQFNLNGLA[Gly76Val]TGAYSPKSEY

ClinVar aggregate classification (germline): Uncertain significance. Review status: criteria provided, multiple submitters, no conflicts (2 of 4 stars). 2 submissions from 2 submitters: Uncertain significance (2). Last evaluated 2025-02-15.

Conditions:
Inborn genetic diseases. Identifiers: MedGen C0950123, MeSH D030342.

Allele frequency attached by ClinVar (database versions not stated): gnomAD 0.00003; TOPMed 0.00005; ESP Exome Variant Server 0.00008.
gnomAD v4.1: 13 of 1,614,096 alleles (0.00081%); highest among the groups gnomAD compares: African/African-American, 0.013%; no homozygotes.

Submissions (2):

Ambry Genetics
Classification: Uncertain significance for Inborn genetic diseases. Last evaluated: 2025-02-15. Review status: criteria provided, single submitter. Criteria: Ambry Variant Classification Scheme 2023. Collection method: clinical testing. Allele origin: germline.

Labcorp Genetics (formerly Invitae), Labcorp
Classification: Uncertain significance. Last evaluated: 2022-02-05. Review status: criteria provided, single submitter. Criteria: Invitae Variant Classification Sherloc (09022015). Collection method: clinical testing. Allele origin: germline.
Comment: This sequence change replaces glycine, which is neutral and non-polar, with valine, which is neutral and non-polar, at codon 76 of the DLX3 protein (p.Gly76Val). In summary, the available evidence is currently insufficient to determine the role of this variant in disease. Therefore, it has been classified as a Variant of Uncertain Significance. Algorithms developed to predict the effect of missense changes on protein structure and function are either unavailable or do not agree on the potential impact of this missense change (SIFT: "Deleterious"; PolyPhen-2: "Benign"; Align-GVGD: "Class C65"). This variant has not been reported in the literature in individuals affected with DLX3-related conditions. This variant is present in population databases (rs368628839, gnomAD 0.01%).